The following is an entry in ClinVar:

NM_004333.6(BRAF):c.861-27_927dup

Gene: BRAF (B-Raf proto-oncogene, serine/threonine kinase; minus strand). Cytogenetic location: 7q34.
Variant type: Duplication.
Coding change: c.861-27_927dup on transcript NM_004333.6 (MANE Select); 27 bases into the intron before coding-DNA position 861 through coding-DNA position 927, 94 bases duplicated.
Molecular consequence: splice acceptor variant.
Genome position (GRCh38, 1-based): chr7:140,800,415-140,800,508, 94 bases duplicated. GRCh37 (hg19): chr7:140,500,217-140,500,310.
Other names: c.861-27_927dup (NM_001378474.1, NM_001378471.1, NM_001378468.1 and 4 more transcripts); c.759-27_825dup (NM_001378470.1); c.597-27_663dup (NM_001378475.1); c.870-27_936dup (NM_001378467.1); c.705-27_771dup (NM_001378472.1, NM_001378473.1); c.861-27_927dup94 (NM_004333.6).
Identifiers: ClinVar variation 3895780 (VCV003895780.1).

ClinVar aggregate classification (germline): Uncertain significance (1 of 4 stars; one submission).

Submission:

Women's Health and Genetics/Laboratory Corporation of America, LabCorp
Classification: Uncertain significance. Last evaluated: 2025-03-07. Review status: criteria provided, single submitter. Criteria: LabCorp Variant Classification Summary - May 2015. Collection method: clinical testing. Allele origin: germline.
Comment: Variant summary: The BRAF variant, c.861-27_927dup94, causes a large duplication of 94 nucleotides which is predicted to result in a frameshift (via Alamut). However, this prediction is not confirmed by functional studies. The variant was absent in 251478 control chromosomes (gnomAD). The available data on variant occurrences in the general population are insufficient to allow any conclusion about variant significance. To our knowledge, no occurrence of c.861-27_927dup94 in individuals affected with Noonan Syndrome and Related Conditions and no experimental evidence demonstrating its impact on protein function have been reported. No clinical diagnostic laboratories have submitted clinical-significance assessments for this variant to ClinVar after 2014. Based on the evidence outlined above, the variant was classified as uncertain significance.